The following is an entry in ClinVar:

ClinVar aggregate classification (germline): Uncertain significance. Review status: criteria provided, multiple submitters, no conflicts (2 of 4 stars). 2 submissions from 2 submitters: Uncertain significance (2). Last evaluated 2023-04-16.

Conditions:
Hereditary breast ovarian cancer syndrome. Also called: Hereditary breast and ovarian cancer; Hereditary breast and/or ovarian cancer syndrome; Hereditary breast and ovarian cancer syndrome (HBOC); Breast and ovarian cancer; Hereditary breast and ovarian cancer syndrome; BRCA1- and BRCA2-Associated Hereditary Breast and Ovarian Cancer. Identifiers: Orphanet 145, MedGen C0677776, MeSH D061325, MONDO:0003582. Disease mechanism: loss of function.

Submissions (2):

Labcorp Genetics (formerly Invitae), Labcorp
Classification: Uncertain significance for Hereditary breast ovarian cancer syndrome. Last evaluated: 2023-04-16. Review status: criteria provided, single submitter. Criteria: Invitae Variant Classification Sherloc (09022015). Collection method: clinical testing. Allele origin: germline.
Comment: Algorithms developed to predict the effect of sequence changes on RNA splicing suggest that this variant may disrupt the consensus splice site. In summary, the available evidence is currently insufficient to determine the role of this variant in disease. Therefore, it has been classified as a Variant of Uncertain Significance. ClinVar contains an entry for this variant (Variation ID: 1098752). This variant has not been reported in the literature in individuals affected with BRCA2-related conditions. This variant is not present in population databases (gnomAD no frequency). This sequence change falls in intron 10 of the BRCA2 gene. It does not directly change the encoded amino acid sequence of the BRCA2 protein.

Women's Health and Genetics/Laboratory Corporation of America, LabCorp
Classification: Uncertain significance. Last evaluated: 2021-04-24. Review status: criteria provided, single submitter. Criteria: LabCorp Variant Classification Summary - May 2015. Collection method: clinical testing. Allele origin: germline.
Comment: Variant summary: BRCA2 c.1910-7delT alters a non-conserved nucleotide located close to a canonical splice site and therefore could affect mRNA splicing, leading to a significantly altered protein sequence. Several computational tools predict a significant impact on normal splicing: Two predict the variant abolishes the canonical 3' acceptor site. One predict the variant weakens the canonical 3' acceptor site. Four predict the variant creates a novel intronic 3' acceptor site upstream of the canonical 3' acceptor site. However, these predictions have yet to be confirmed by functional studies. The variant was absent in 235110 control chromosomes. The available data on variant occurrences in the general population are insufficient to allow any conclusion about variant significance. To our knowledge, no occurrence of c.1910-7delT in individuals affected with Hereditary Breast And Ovarian Cancer Syndrome and no experimental evidence demonstrating its impact on protein function have been reported. No clinical diagnostic laboratories have submitted clinical-significance assessments for this variant to ClinVar after 2014. Based on the evidence outlined above, the variant was classified as uncertain significance.

NM_000059.4(BRCA2):c.1910-7del

Gene: BRCA2 (BRCA2 DNA repair associated; plus strand). Cytogenetic location: 13q13.1.
Variant type: Deletion.
Coding change: c.1910-7del on transcript NM_000059.4 (MANE Select); 7 bases into the intron before coding-DNA position 1910, one base deleted (T; older notation c.1910-7delT).
Molecular consequence: intron variant.
Genome position (GRCh38, 1-based): chr13:32,336,258, T deleted. VCF-style (leftmost placement, unchanged base first): chr13-32336257-AT-A. GRCh37 (hg19) VCF-style: chr13-32910394-AT-A.
Identifiers: ClinVar variation 1098752 (VCV001098752.4), dbSNP rs2137481686, ClinGen allele CA2499222095.
Genomic context (GRCh38, chr13:32,336,257, plus strand): 5'-AGTGAAAAATATTTAGTGAATGTGATTGATGGTACTTTAATTTTGTCACTTTGTGTTTTT[AT>A]GTTTAGGTTTATTGCATTCTTCTGTGAAAAGAAGCTGTTCACAGAATGATTCTGAAGAAC-3'